The following is an entry in ClinVar:

ClinVar aggregate classification (germline): Uncertain significance (1 of 4 stars; one submission).

Conditions:
Primary familial hypertrophic cardiomyopathy (HCM). Identifiers: Orphanet 99739, MedGen C0949658, MeSH D024741, MONDO:0024573. Inheritance: Various modes of inheritance.
Dilated cardiomyopathy 1AA (CMD1AA). Also called: Cardiomyopathy, dilated, 1AA, with or without LVNC; CARDIOMYOPATHY, DILATED, 1AA, WITH OR WITHOUT LEFT VENTRICULAR NONCOMPACTION; CARDIOMYOPATHY, FAMILIAL HYPERTROPHIC, 23, WITH OR WITHOUT LEFT VENTRICULAR NONCOMPACTION. Identifiers: Orphanet 154, MedGen C2677338, MONDO:0012808, OMIM 612158.

gnomAD v4.1: 1 of 1,614,166 alleles (0.000062%); highest among the groups gnomAD compares: East Asian, 0.0022%; no homozygotes.

Submission:

Labcorp Genetics (formerly Invitae), Labcorp
Classification: Uncertain significance for Primary familial hypertrophic cardiomyopathy; Dilated cardiomyopathy 1AA. Last evaluated: 2022-02-10. Review status: criteria provided, single submitter. Criteria: Invitae Variant Classification Sherloc (09022015). Collection method: clinical testing. Allele origin: germline.
Comment: This sequence change replaces phenylalanine, which is neutral and non-polar, with leucine, which is neutral and non-polar, at codon 447 of the ACTN2 protein (p.Phe447Leu). This variant is not present in population databases (gnomAD no frequency). This variant has not been reported in the literature in individuals affected with ACTN2-related conditions. ClinVar contains an entry for this variant (Variation ID: 1015205). Advanced modeling of protein sequence and biophysical properties (such as structural, functional, and spatial information, amino acid conservation, physicochemical variation, residue mobility, and thermodynamic stability) performed at Invitae indicates that this missense variant is not expected to disrupt ACTN2 protein function. In summary, the available evidence is currently insufficient to determine the role of this variant in disease. Therefore, it has been classified as a Variant of Uncertain Significance.

NM_001103.4(ACTN2):c.1341C>G (p.Phe447Leu)

Gene: ACTN2 (actinin alpha 2; plus strand). Cytogenetic location: 1q43.
Variant type: single nucleotide variant.
Coding change: c.1341C>G on transcript NM_001103.4 (MANE Select); coding-DNA position 1341, C replaced by G.
Protein change: p.Phe447Leu; replaces phenylalanine 447 with leucine.
Molecular consequence: missense variant.
Genome position (GRCh38, 1-based): chr1:236,744,711, C>G. VCF-style: chr1-236744711-C-G. GRCh37 (hg19) VCF-style: chr1-236908011-C-G.
Other names: c.1341C>G, p.Phe447Leu (NM_001278343.2); c.717C>G, p.Phe239Leu (NM_001278344.2); short protein forms F239L, F447L.
Identifiers: ClinVar variation 1015205 (VCV001015205.6), dbSNP rs34785693, ClinGen allele CA345382769.
Genomic context (GRCh38, chr1:236,744,711, plus strand): 5'-GGATTACGAGTCGGCGTCGCTGACAGAGGTGCGGGCTCTGCTGCGGAAGCACGAGGCGTT[C>G]GAGAGCGACCTGGCAGCGCACCAGGACCGCGTGGAGCAGATCGCAGCCATCGCGCAGGAG-3'
Protein context (NP_001094.1, residues 437-457): VRALLRKHEA[Phe447Leu]ESDLAAHQDR